The following is an entry in ClinVar:

NM_001009999.3(KDM1A):c.157G>C (p.Gly53Arg)

Gene: KDM1A (lysine demethylase 1A; plus strand). Cytogenetic location: 1p36.12.
Variant type: single nucleotide variant.
Coding change: c.157G>C on transcript NM_001009999.3 (MANE Select); coding-DNA position 157, G replaced by C.
Protein change: p.Gly53Arg; replaces glycine 53 with arginine.
Molecular consequence: missense variant.
Genome position (GRCh38, 1-based): chr1:23,019,753, G>C. VCF-style: chr1-23019753-G-C. GRCh37 (hg19) VCF-style: chr1-23346246-G-C.
Other names: c.157G>C, p.Gly53Arg (NM_001363654.2, NM_001410762.1, NM_001410763.1 and 1 more transcripts); short protein forms G53R.
Identifiers: ClinVar variation 3532979 (VCV003532979.1).
Genomic context (GRCh38, chr1:23,019,753, plus strand): 5'-AACGGGTCTGAGGTGGCCGCGCAGCCCGCGGGCCTGTCGGGCCCAGCCGAGGTCGGGCCG[G>C]GGGCGGTGGGGGAGCGCACACCCCGCAAGAAAGAGCCTCCGCGGGCCTCGCCCCCCGGGG-3'
Protein context (NP_001009999.1, residues 43-63): GLSGPAEVGP[Gly53Arg]AVGERTPRKK

ClinVar aggregate classification (germline): Uncertain significance (1 of 4 stars; one submission).

Conditions:
Inborn genetic diseases. Identifiers: MedGen C0950123, MeSH D030342.

Submission:

Ambry Genetics
Classification: Uncertain significance for Inborn genetic diseases. Last evaluated: 2024-12-07. Review status: criteria provided, single submitter. Criteria: Ambry Variant Classification Scheme 2023. Collection method: clinical testing. Allele origin: germline.
Comment: The p.G53R variant (also known as c.157G>C), located in coding exon 1 of the KDM1A gene, results from a G to C substitution at nucleotide position 157. The glycine at codon 53 is replaced by arginine, an amino acid with dissimilar properties. This amino acid position is conserved. In addition, this alteration is predicted to be tolerated by in silico analysis. Based on the available evidence, the clinical significance of this variant remains unclear.